The following is an entry in ClinVar:

ClinVar aggregate classification (germline): Uncertain significance. Review status: criteria provided, single submitter (1 of 4 stars). 2 submissions from 2 submitters: Uncertain significance (1). 1 of the submissions does not count toward it. Last evaluated 2026-01-13.

Conditions:
SEMA3A-related disorder. Also called: SEMA3A-related condition.

Allele frequency attached by ClinVar (database versions not stated): gnomAD exomes 0.00004; ExAC 0.00009; gnomAD 0.00010; TOPMed 0.00010; ESP Exome Variant Server 0.00015; 1000 Genomes Project 30x 0.00016; 1000 Genomes Project 0.00020.
gnomAD v4.1: 73 of 1,613,922 alleles (0.0045%); highest among the groups gnomAD compares: Middle Eastern, 0.066%; no homozygotes.

Submissions (2):

Labcorp Genetics (formerly Invitae), Labcorp
Classification: Uncertain significance. Last evaluated: 2026-01-13. Review status: criteria provided, single submitter. Criteria: Invitae Variant Classification Sherloc (09022015). Collection method: clinical testing. Allele origin: germline.
Comment: This sequence change replaces alanine, which is neutral and non-polar, with threonine, which is neutral and polar, at codon 131 of the SEMA3A protein (p.Ala131Thr). This variant is present in population databases (rs143007146, gnomAD 0.05%). This missense change has been observed in individual(s) with Hirschsprung disease (PMID: 23372769). ClinVar contains an entry for this variant (Variation ID: 3058298). Invitae Evidence Modeling of protein sequence and biophysical properties (such as structural, functional, and spatial information, amino acid conservation, physicochemical variation, residue mobility, and thermodynamic stability) indicates that this missense variant is not expected to disrupt SEMA3A protein function with a negative predictive value of 80%. In summary, the available evidence is currently insufficient to determine the role of this variant in disease. Therefore, it has been classified as a Variant of Uncertain Significance.

PreventionGenetics, part of Exact Sciences
Classification: Likely benign for SEMA3A-related condition. Last evaluated: 2022-03-22. Review status: no assertion criteria provided. Collection method: clinical testing. Allele origin: germline. Not counted in ClinVar's aggregate classification.
Comment: This variant is classified as likely benign based on ACMG/AMP sequence variant interpretation guidelines (Richards et al. 2015 PMID: 25741868, with internal and published modifications).

Literature cited by the submitters: PubMed 23372769 (cited by Labcorp Genetics (formerly Invitae), Labcorp).

NM_006080.3(SEMA3A):c.391G>A (p.Ala131Thr)

Gene: SEMA3A (semaphorin 3A; minus strand). Cytogenetic location: 7q21.11.
Variant type: single nucleotide variant.
Coding change: c.391G>A on transcript NM_006080.3 (MANE Select); coding-DNA position 391, G replaced by A.
Protein change: p.Ala131Thr; replaces alanine 131 with threonine.
Molecular consequence: missense variant.
Genome position (GRCh38, 1-based): chr7:84,110,532, C>T on the plus strand (G>A on the coding strand, the complement: SEMA3A is on the minus strand). VCF-style: chr7-84110532-C-T. GRCh37 (hg19) VCF-style: chr7-83739848-C-T.
Other names: short protein forms A131T.
Identifiers: ClinVar variation 3058298 (VCV003058298.3), dbSNP rs143007146, ClinGen allele CA4323022.